The following is an entry in ClinVar:

ClinVar aggregate classification (germline): Uncertain significance (1 of 4 stars; one submission).

Conditions:
Inborn genetic diseases. Identifiers: MedGen C0950123, MeSH D030342.

gnomAD v4.1: 3 of 1,613,288 alleles (0.00019%); highest among the groups gnomAD compares: Non-Finnish European, 0.00025%; no homozygotes.

Submission:

Ambry Genetics
Classification: Uncertain significance for Inborn genetic diseases. Last evaluated: 2025-01-16. Review status: criteria provided, single submitter. Criteria: Ambry Variant Classification Scheme 2023. Collection method: clinical testing. Allele origin: germline.
Comment: The c.936-5C>T intronic variant results from a C to T substitution 5 nucleotides upstream from coding exon 10 in the DDX41 gene. This nucleotide position is not well conserved in available vertebrate species. In silico splice site analysis predicts that this alteration will not have any significant effect on splicing. Based on the available evidence, the clinical significance of this variant remains unclear.

NM_016222.4(DDX41):c.936-5C>T

Gene: DDX41 (DEAD-box helicase 41; minus strand). Cytogenetic location: 5q35.3.
Variant type: single nucleotide variant.
Coding change: c.936-5C>T on transcript NM_016222.4 (MANE Select); 5 bases into the intron before coding-DNA position 936, C replaced by T.
Molecular consequence: intron variant.
Genome position (GRCh38, 1-based): chr5:177,513,852, G>A on the plus strand (C>T on the coding strand, the complement: DDX41 is on the minus strand). VCF-style: chr5-177513852-G-A. GRCh37 (hg19) VCF-style: chr5-176940853-G-A.
Other names: c.558-5C>T (NM_001321830.2, NM_001321732.2).
Identifiers: ClinVar variation 3838968 (VCV003838968.1).
Genomic context (GRCh38, chr5:177,513,852, plus strand): 5'-TCTTCTGCAGCAAATCCATGAGGCGCCCCGGGGTGGCCACCATCATGTGTACACCGCTGG[G>A]GACCAAGGAGAGACCCTGAGGTTGGGGCCACTGGCCTATCACCTATCTAGAGGCAAGCAG-3'